The following is an entry in ClinVar:

ClinVar aggregate classification (germline): Likely pathogenic (1 of 4 stars; one submission).

Conditions:
Jeune thoracic dystrophy. Also called: Jeune syndrome; Infantile thoracic dystrophy; Thoracic pelvic phalangeal dystrophy; Jeune's syndrome; Chondroectodermal dysplasia-like syndrome; Short-rib thoracic dysplasia. Identifiers: Orphanet 474, MedGen C0265275, MONDO:0018770.

Submission:

Labcorp Genetics (formerly Invitae), Labcorp
Classification: Likely pathogenic for Jeune thoracic dystrophy. Last evaluated: 2023-10-06. Review status: criteria provided, single submitter. Criteria: Invitae Variant Classification Sherloc (09022015). Collection method: clinical testing. Allele origin: germline.
Comment: This sequence change affects a donor splice site in intron 87 of the DYNC2H1 gene. It is expected to disrupt RNA splicing. Variants that disrupt the donor or acceptor splice site typically lead to a loss of protein function (PMID: 16199547), and loss-of-function variants in DYNC2H1 are known to be pathogenic (PMID: 23339108, 32753734, 33755199). This variant is not present in population databases (gnomAD no frequency). This variant has not been reported in the literature in individuals affected with DYNC2H1-related conditions. Algorithms developed to predict the effect of sequence changes on RNA splicing suggest that this variant may disrupt the consensus splice site. In summary, the currently available evidence indicates that the variant is pathogenic, but additional data are needed to prove that conclusively. Therefore, this variant has been classified as Likely Pathogenic.

Literature cited by the submitters: PubMed 16199547; PubMed 23339108; PubMed 32753734; PubMed 33755199.

NM_001377.3(DYNC2H1):c.12566+2T>C

Gene: DYNC2H1 (dynein cytoplasmic 2 heavy chain 1; plus strand). Cytogenetic location: 11q22.3.
Variant type: single nucleotide variant.
Coding change: c.12566+2T>C on transcript NM_001377.3 (MANE Select); the canonical splice donor site of the intron after coding-DNA position 12566, T replaced by C.
Molecular consequence: splice donor variant.
Genome position (GRCh38, 1-based): chr11:103,455,297, T>C. VCF-style: chr11-103455297-T-C. GRCh37 (hg19) VCF-style: chr11-103326025-T-C.
Other names: c.12587+2T>C (NM_001080463.2).
Identifiers: ClinVar variation 2858108 (VCV002858108.3), dbSNP rs1944749671, ClinGen allele CA382289664.